The following is an entry in ClinVar:

NM_007227.3(GPR45):c.1000G>A (p.Ala334Thr)

Gene: GPR45 (G protein-coupled receptor 45; plus strand). Cytogenetic location: 2q12.1.
Variant type: single nucleotide variant.
Coding change: c.1000G>A on transcript NM_007227.3 (MANE Select); coding-DNA position 1000, G replaced by A.
Protein change: p.Ala334Thr; replaces alanine 334 with threonine.
Molecular consequence: missense variant.
Genome position (GRCh38, 1-based): chr2:105,242,858, G>A. VCF-style: chr2-105242858-G-A. GRCh37 (hg19) VCF-style: chr2-105859315-G-A.
Other names: short protein forms A334T.
Identifiers: ClinVar variation 3011175 (VCV003011175.3), dbSNP rs754127381, ClinGen allele CA1813688.

ClinVar aggregate classification (germline): Uncertain significance (1 of 4 stars; one submission).

Allele frequency attached by ClinVar (database versions not stated): ExAC 0.00001; gnomAD 0.00001; gnomAD exomes 0.00001; TOPMed 0.00002.
gnomAD v4.1: 11 of 1,614,090 alleles (0.00068%); highest among the groups gnomAD compares: Admixed American, 0.01%; no homozygotes.

Submission:

Labcorp Genetics (formerly Invitae), Labcorp
Classification: Uncertain significance. Last evaluated: 2024-07-24. Review status: criteria provided, single submitter. Criteria: Invitae Variant Classification Sherloc (09022015). Collection method: clinical testing. Allele origin: germline.
Comment: This sequence change replaces alanine, which is neutral and non-polar, with threonine, which is neutral and polar, at codon 334 of the GPR45 protein (p.Ala334Thr). This variant is present in population databases (rs754127381, gnomAD 0.01%). This variant has not been reported in the literature in individuals affected with GPR45-related conditions. An algorithm developed to predict the effect of missense changes on protein structure and function (PolyPhen-2) suggests that this variant is likely to be disruptive. In summary, the available evidence is currently insufficient to determine the role of this variant in disease. Therefore, it has been classified as a Variant of Uncertain Significance.